The following is an entry in ClinVar:

NM_000455.5(STK11):c.291-2A>G

Gene: STK11 (serine/threonine kinase 11; plus strand). Cytogenetic location: 19p13.3.
Variant type: single nucleotide variant.
Coding change: c.291-2A>G on transcript NM_000455.5 (MANE Select); the canonical splice acceptor site of the intron before coding-DNA position 291, A replaced by G.
Molecular consequence: splice acceptor variant.
Genome position (GRCh38, 1-based): chr19:1,218,415, A>G. VCF-style: chr19-1218415-A-G. GRCh37 (hg19) VCF-style: chr19-1218414-A-G.
Other names: c.291-2A>G (NM_001407255.1).
Identifiers: ClinVar variation 230469 (VCV000230469.17), dbSNP rs876658584, ClinGen allele CA10580999.
Genomic context (GRCh38, chr19:1,218,415, plus strand): 5'-GGGATCCAGGCCATCATCCTGACGTTGGGTCGGCTGATACACCCCTGTCCTCTCTGTCCC[A>G]GGGAAATTCAACTACTGAGGAGGTTACGGCACAAAAATGTCATCCAGCTGGTGGATGTGT-3'

ClinVar aggregate classification (germline): Pathogenic. Review status: criteria provided, multiple submitters, no conflicts (2 of 4 stars). 3 submissions from 3 submitters: Pathogenic (3). Last evaluated 2023-09-06.

Conditions:
Hereditary cancer-predisposing syndrome. Also called: Hereditary Cancer Syndrome; Neoplastic Syndromes, Hereditary; Tumor predisposition; Hereditary neoplastic syndrome. Identifiers: Orphanet 140162, MedGen C0027672, MeSH D009386, MONDO:0015356.
Peutz-Jeghers syndrome (PJS). Also called: POLYPOSIS, HAMARTOMATOUS INTESTINAL; POLYPS-AND-SPOTS SYNDROME; Peutz-Jeghers polyposis; Periorificial lentiginosis syndrome. Identifiers: Orphanet 2869, MedGen C0031269, MeSH D010580, MONDO:0008280, OMIM 175200.

Submissions (3):

Labcorp Genetics (formerly Invitae), Labcorp
Classification: Pathogenic for Peutz-Jeghers syndrome. Last evaluated: 2023-09-06. Review status: criteria provided, single submitter. Criteria: Invitae Variant Classification Sherloc (09022015). Collection method: clinical testing. Allele origin: germline.
Comment: ClinVar contains an entry for this variant (Variation ID: 230469). Algorithms developed to predict the effect of sequence changes on RNA splicing suggest that this variant may disrupt the consensus splice site. For these reasons, this variant has been classified as Pathogenic. This sequence change affects an acceptor splice site in intron 1 of the STK11 gene. It is expected to disrupt RNA splicing. Variants that disrupt the donor or acceptor splice site typically lead to a loss of protein function (PMID: 16199547), and loss-of-function variants in STK11 are known to be pathogenic (PMID: 15188174, 16287113). This variant is not present in population databases (gnomAD no frequency). Disruption of this splice site has been observed in individuals with PJS and an ampullary neuroendocrine tumor and Peutz-Jeghers syndrome (PJS) (PMID: 10408777, 23240097). This variant is also known as –2ex2 A>G.

Genome-Nilou Lab
Classification: Pathogenic for Peutz-Jeghers syndrome. Last evaluated: 2021-07-15. Review status: criteria provided, single submitter. Criteria: ACMG Guidelines, 2015. Collection method: clinical testing. Allele origin: germline. Affected: no.

Ambry Genetics
Classification: Pathogenic for Hereditary cancer-predisposing syndrome. Last evaluated: 2015-02-19. Review status: criteria provided, single submitter. Criteria: Ambry Variant Classification Scheme 2023. Collection method: clinical testing. Allele origin: germline.
Comment: The c.291-2A>G intronic pathogenic mutation results from an A to G substitution two nucleotides upstream from coding exon 2 in the STK11 gene. This mutation has been detected in multiple individuals meeting clinical diagnostic criteria for PJS (Westerman et al. Hum Mut 1999;13(6):476-81; Ambry internal data). In addition to this clinical data, since mutations that disrupt the canonical splice acceptor site are typically deleterious in nature, this variant is interpreted as a disease causing mutation (ACMG Recommendations for Standards for Interpretation and Reporting of Sequence Variations. Revision 2007. Genet Med 2008;10:294).

Literature cited by the submitters: PubMed 16199547 (cited by Labcorp Genetics (formerly Invitae), Labcorp); PubMed 15188174 (cited by Labcorp Genetics (formerly Invitae), Labcorp); PubMed 16287113 (cited by Labcorp Genetics (formerly Invitae), Labcorp); PubMed 10408777 (cited by Labcorp Genetics (formerly Invitae), Labcorp); PubMed 23240097 (cited by Labcorp Genetics (formerly Invitae), Labcorp).